The following is an entry in ClinVar:

NM_001114753.3(ENG):c.690-1G>A

Gene: ENG (endoglin; minus strand). Cytogenetic location: 9q34.11.
Variant type: single nucleotide variant.
Coding change: c.690-1G>A on transcript NM_001114753.3 (MANE Select); the canonical splice acceptor site of the intron before coding-DNA position 690, G replaced by A.
Molecular consequence: splice acceptor variant.
Genome position (GRCh38, 1-based): chr9:127,825,358, C>T on the plus strand (G>A on the coding strand, the complement: ENG is on the minus strand). VCF-style: chr9-127825358-C-T. GRCh37 (hg19) VCF-style: chr9-130587637-C-T.
Other names: c.690-1G>A (NM_001114753.1, NM_000118.4, NM_001406715.1); c.144-1G>A (NM_001278138.2).
Identifiers: ClinVar variation 458351 (VCV000458351.13), dbSNP rs1554810272, ClinGen allele CA374983467.

ClinVar aggregate classification (germline): Pathogenic. Review status: criteria provided, multiple submitters, no conflicts (2 of 4 stars). 3 submissions from 3 submitters: Pathogenic (3). Last evaluated 2023-09-15.

Conditions:
Cardiovascular phenotype. Identifiers: MedGen CN230736.
Hereditary hemorrhagic telangiectasia (HHT). Also called: ORW DISEASE; Osler Weber Rendu syndrome; OSLER-RENDU-WEBER DISEASE; Osler hemorrhagic telangiectasia syndrome. Identifiers: Orphanet 774, MedGen C0039445, MONDO:0019180. Disease mechanism: loss of function.
Telangiectasia, hereditary hemorrhagic, type 1 (HHT1). Also called: Osler Weber Rendu syndrome type 1; ENG-Related Hereditary Hemorrhagic Telangiectasia. Identifiers: Orphanet 774, MedGen C4551861, MONDO:0008535, OMIM 187300. Disease mechanism: loss of function.

Submissions (3):

Impact Genetics, Dynacare/LabCorp
Classification: Pathogenic for Telangiectasia, hereditary hemorrhagic, type 1. Last evaluated: 2023-09-15. Review status: criteria provided, single submitter. Criteria: DeMille et al. (Hum Mutat. 2024). Collection method: clinical testing. Allele origin: germline.
Comment: PVS1, PS4_moderate, PM2_supportive, PP3

Labcorp Genetics (formerly Invitae), Labcorp
Classification: Pathogenic for Hereditary hemorrhagic telangiectasia. Last evaluated: 2022-11-15. Review status: criteria provided, single submitter. Criteria: Invitae Variant Classification Sherloc (09022015). Collection method: clinical testing. Allele origin: germline.
Comment: This variant is not present in population databases (gnomAD no frequency). For these reasons, this variant has been classified as Pathogenic. Algorithms developed to predict the effect of sequence changes on RNA splicing suggest that this variant may disrupt the consensus splice site. ClinVar contains an entry for this variant (Variation ID: 458351). Disruption of this splice site has been observed in individuals with hereditary hemorrhagic telangiectasia (PMID: 10625079, 16525724, 22991266). This sequence change affects an acceptor splice site in intron 5 of the ENG gene. It is expected to disrupt RNA splicing. Variants that disrupt the donor or acceptor splice site typically lead to a loss of protein function (PMID: 16199547), and loss-of-function variants in ENG are known to be pathogenic (PMID: 15879500).

Ambry Genetics
Classification: Pathogenic for Cardiovascular phenotype. Last evaluated: 2016-12-15. Review status: criteria provided, single submitter. Criteria: Ambry Variant Classification Scheme 2023. Collection method: clinical testing. Allele origin: germline.
Comment: The c.690-1G>A intronic pathogenic mutation results from a G to A substitution one nucleotide upstream from coding exon 6 of the ENG gene. This mutation was previously detected in a patient with epistaxis and family history of hereditary hemorrhagic telangiectasia (HHT) (Argyriou L, Int. J. Mol. Med. 2006 Apr; 17(4):655-9). In addition to the clinical data presented in the literature, alterations that disrupt the canonical splice site are expected to cause aberrant splicing, resulting in an abnormal protein or a transcript that is subject to nonsense-mediated mRNA decay. As such, this alteration is classified as a disease-causing mutation.

Literature cited by the submitters: PubMed 16199547 (cited by Impact Genetics, Dynacare/LabCorp and Labcorp Genetics (formerly Invitae), Labcorp); PubMed 15879500 (cited by Impact Genetics, Dynacare/LabCorp and Labcorp Genetics (formerly Invitae), Labcorp); PubMed 10625079 (cited by Impact Genetics, Dynacare/LabCorp and Labcorp Genetics (formerly Invitae), Labcorp); PubMed 16525724 (cited by 3 submitters); PubMed 22991266 (cited by Impact Genetics, Dynacare/LabCorp and Labcorp Genetics (formerly Invitae), Labcorp).